The following is an entry in ClinVar:

NM_003924.4(PHOX2B):c.848T>A (p.Ile283Asn)

Gene: PHOX2B (paired like homeobox 2B; minus strand). Cytogenetic location: 4p13.
Variant type: single nucleotide variant.
Coding change: c.848T>A on transcript NM_003924.4 (MANE Select); coding-DNA position 848, T replaced by A.
Protein change: p.Ile283Asn; replaces isoleucine 283 with asparagine.
Molecular consequence: missense variant.
Genome position (GRCh38, 1-based): chr4:41,745,904, A>T on the plus strand (T>A on the coding strand, the complement: PHOX2B is on the minus strand). VCF-style: chr4-41745904-A-T. GRCh37 (hg19) VCF-style: chr4-41747921-A-T.
Other names: short protein forms I283N.
Identifiers: ClinVar variation 1450727 (VCV001450727.8), dbSNP rs2153112744, ClinGen allele CA356737003.

ClinVar aggregate classification (germline): Uncertain significance. Review status: criteria provided, multiple submitters, no conflicts (2 of 4 stars). 2 submissions from 2 submitters: Uncertain significance (2). Last evaluated 2022-01-17.

Conditions:
Hereditary cancer-predisposing syndrome. Also called: Hereditary Cancer Syndrome; Hereditary neoplastic syndrome; Neoplastic Syndromes, Hereditary; Tumor predisposition. Identifiers: Orphanet 140162, MedGen C0027672, MeSH D009386, MONDO:0015356.
Haddad syndrome (OHD). Also called: Ondine-Hirschsprung disease. Identifiers: Orphanet 99803, MedGen C1859049, MONDO:0020493.

gnomAD v4.1: 2 of 1,606,028 alleles (0.00012%); highest among the groups gnomAD compares: Non-Finnish European, 0.00017%; no homozygotes.

Submissions (2):

Ambry Genetics
Classification: Uncertain significance for Hereditary cancer-predisposing syndrome. Last evaluated: 2022-01-17. Review status: criteria provided, single submitter. Criteria: Ambry Variant Classification Scheme 2023. Collection method: clinical testing. Allele origin: germline.
Comment: The p.I283N variant (also known as c.848T>A), located in coding exon 3 of the PHOX2B gene, results from a T to A substitution at nucleotide position 848. The isoleucine at codon 283 is replaced by asparagine, an amino acid with dissimilar properties. This amino acid position is conserved. In addition, the in silico prediction for this alteration is inconclusive. Since supporting evidence is limited at this time, the clinical significance of this alteration remains unclear.

Labcorp Genetics (formerly Invitae), Labcorp
Classification: Uncertain significance for Haddad syndrome. Last evaluated: 2021-10-28. Review status: criteria provided, single submitter. Criteria: Invitae Variant Classification Sherloc (09022015). Collection method: clinical testing. Allele origin: germline.
Comment: In summary, the available evidence is currently insufficient to determine the role of this variant in disease. Therefore, it has been classified as a Variant of Uncertain Significance. Algorithms developed to predict the effect of missense changes on protein structure and function are either unavailable or do not agree on the potential impact of this missense change (SIFT: "Deleterious"; PolyPhen-2: "Not Available"; Align-GVGD: "Class C0"). This variant has not been reported in the literature in individuals affected with PHOX2B-related conditions. This variant is not present in population databases (gnomAD no frequency). This sequence change replaces isoleucine, which is neutral and non-polar, with asparagine, which is neutral and polar, at codon 283 of the PHOX2B protein (p.Ile283Asn).